The following is an entry in ClinVar:

ClinVar aggregate classification (germline): Conflicting classifications of pathogenicity. Review status: criteria provided, conflicting classifications (1 of 4 stars). 15 submissions from 15 submitters: Uncertain significance (3); Benign (3); Likely benign (7). 2 of the submissions do not count toward it. Last evaluated 2026-02-16.

Conditions:
PMS2-related disorder. Also called: PMS2-related condition.
Hereditary nonpolyposis colorectal neoplasms. Identifiers: MedGen C0009405, MeSH D003123.
Hereditary cancer. Identifiers: MedGen C1333600.
Lynch syndrome 4 (LYNCH4). Also called: Colorectal cancer, hereditary nonpolyposis, type 4; Hereditary non-polyposis colorectal cancer, type 4. Identifiers: Orphanet 144, MedGen C1838333, MONDO:0013699, OMIM 614337. Disease mechanism: loss of function.
Mismatch repair cancer syndrome 4. Identifiers: MedGen C5436817, MONDO:0030843, OMIM 619101.
Hereditary cancer-predisposing syndrome. Also called: Tumor predisposition; Hereditary neoplastic syndrome; Neoplastic Syndromes, Hereditary; Hereditary Cancer Syndrome. Identifiers: Orphanet 140162, MedGen C0027672, MeSH D009386, MONDO:0015356.

Allele frequency attached by ClinVar (database versions not stated): gnomAD exomes 0.00007 and 0.00022; ExAC 0.00021; 1000 Genomes Project 0.00040; 1000 Genomes Project 30x 0.00062; gnomAD 0.00082 and 0.00088; TOPMed 0.00089; ESP Exome Variant Server 0.00108.
gnomAD v4.1: 221 of 1,611,606 alleles (0.014%); highest among the groups gnomAD compares: African/African-American, 0.27%; no homozygotes.

Submissions (15):

Institute for Biomarker Research, Medical Diagnostic Laboratories, L.L.C.
Classification: Benign for Hereditary cancer-predisposing syndrome. Last evaluated: 2026-02-16. Review status: criteria provided, single submitter. Criteria: ACMG Guidelines, 2015. Collection method: clinical testing. Allele origin: germline.
Comment: The missense variant NM_001322014.2(PMS2):c.497T>C (p.Leu166Pro) has not been reported previously as a pathogenic variant, to our knowledge (Accession: VCV000135944.36). The p.Leu166Pro variant is observed in 51/15,992 (0.3189%) alleles from individuals of gnomAD African background in gnomAD, which is greater than expected for the disorder. The nucleotide c.497 in PMS2 is predicted conserved by GERP++ and PhyloP across 100 vertebrates. For these reasons, this variant has been classified as Benign.

Labcorp Genetics (formerly Invitae), Labcorp
Classification: Benign for Hereditary nonpolyposis colorectal neoplasms. Last evaluated: 2026-01-27. Review status: criteria provided, single submitter. Criteria: Invitae Variant Classification Sherloc (09022015). Collection method: clinical testing. Allele origin: germline.

Quest Diagnostics Nichols Institute San Juan Capistrano
Classification: Likely benign. Last evaluated: 2025-09-12. Review status: criteria provided, single submitter. Criteria: Quest Diagnostics criteria. Collection method: clinical testing. Allele origin: unknown.

Myriad Genetics, Inc.
Classification: Benign for Lynch syndrome 4. Last evaluated: 2025-01-27. Review status: criteria provided, single submitter. Criteria: Myriad Autosomal Dominant, Autosomal Recessive and X-Linked Classification Criteria (2023). Collection method: clinical testing. Allele origin: unknown.
Comment: This variant is considered benign. This variant has been observed at a population frequency that is significantly greater than expected given the associated disease prevalence and penetrance. Homozygosity for this variant has been confirmed in one or more individuals lacking clinical features consistent with gene-specific recessive disease, indicating that this variant is unlikely to be pathogenic.

Blueprint Genetics
Classification: Likely benign. Last evaluated: 2024-07-19. Review status: criteria provided, single submitter. Criteria: ACMG Guidelines, 2015. Collection method: clinical testing. Allele origin: germline.

Department of Pathology and Laboratory Medicine, Sinai Health System
Classification: Uncertain significance for Lynch syndrome 4; Mismatch repair cancer syndrome 4. Last evaluated: 2024-04-18. Review status: criteria provided, single submitter. Criteria: ACMG Guidelines, 2015. Collection method: clinical testing. Allele origin: germline. Affected: no.

Mendelics
Classification: Likely benign for Hereditary cancer. Last evaluated: 2024-01-23. Review status: criteria provided, single submitter. Criteria: ACMG Guidelines, 2015. Collection method: clinical testing. Allele origin: unknown.

GeneDx
Classification: Uncertain significance. Last evaluated: 2021-03-29. Review status: criteria provided, single submitter. Criteria: GeneDx Variant Classification Process June 2021. Collection method: clinical testing. Allele origin: germline. Affected: yes.
Comment: In silico analysis supports that this missense variant has a deleterious effect on protein structure/function; Observed in individuals with endometrial cancer, colorectal cancer, or prostate cancer, with a colon tumor from at least one individual showing loss of MLH1 and PMS2 proteins on immunohistochemistry (Ring 2016, Yurgelun 2017, Beebe-Dimmer 2018); This variant is associated with the following publications: (PMID: 29356034, 27443514, 24113346, 28135145, 25980754)

Sema4
Classification: Likely benign for Hereditary cancer-predisposing syndrome. Last evaluated: 2021-01-31. Review status: criteria provided, single submitter. Criteria: Sema4 Curation Guidelines. Collection method: curation. Allele origin: germline.

Color Diagnostics, LLC DBA Color Health
Classification: Likely benign for Hereditary cancer-predisposing syndrome. Last evaluated: 2020-03-03. Review status: criteria provided, single submitter. Criteria: ACMG Guidelines, 2015. Collection method: clinical testing. Allele origin: germline.

Ambry Genetics
Classification: Likely benign for Hereditary cancer-predisposing syndrome. Last evaluated: 2020-01-15. Review status: criteria provided, single submitter. Criteria: Ambry Variant Classification Scheme 2023. Collection method: clinical testing. Allele origin: germline.

Women's Health and Genetics/Laboratory Corporation of America, LabCorp
Classification: Likely benign. Last evaluated: 2019-12-09. Review status: criteria provided, single submitter. Criteria: LabCorp Variant Classification Summary - May 2015. Collection method: clinical testing. Allele origin: germline.
Comment: Variant summary: PMS2 c.497T>C (p.Leu166Pro) results in a non-conservative amino acid change located in the DNA mismatch repair protein family, N-terminal domain (IPR002099) of the encoded protein sequence. Five of five in-silico tools predict a damaging effect of the variant on protein function. The variant allele was found at a frequency of 0.00022 in 250284 control chromosomes, predominantly at a frequency of 0.0032 within the African or African-American subpopulation in the gnomAD database. The observed variant frequency within African or African-American control individuals in the gnomAD database is approximately 28 fold of the estimated maximal expected allele frequency for a pathogenic variant in PMS2 causing Lynch Syndrome phenotype (0.00011), strongly suggesting that the variant is a benign polymorphism found primarily in populations of African or African-American origin. c.497T>C has been reported in the literature in sequencing studies of individuals affected with Lynch syndrome associated cancer/colorectal polyps, endometrial cancer, and early onset prostate cancer (example, Yurgelun_2017, Ring_2016, Yurgelun_2017, Beebe-Dimmer_2018). These report(s) do not provide unequivocal conclusions about association of the variant with Lynch Syndrome. To our knowledge, no experimental evidence demonstrating an impact on protein function has been reported. Seven clinical diagnostic laboratories have submitted clinical-significance assessments for this variant to ClinVar after 2014 without evidence for independent evaluation (VUS, n=6, likely benign, n=1). Based on the evidence outlined above, and no emerging evidence supporting a pathognomic outcome for this variant in its evaluations spanning four years of testing at our laboratory, the variant was re-classified as likely benign.

Eurofins Ntd Llc (ga)
Classification: Uncertain significance. Last evaluated: 2018-04-05. Review status: criteria provided, single submitter. Criteria: EGL ClinVar v180209 classification definitions. Collection method: clinical testing. Allele origin: germline. Observed: 1 variant allele, 1 heterozygote.

PreventionGenetics, part of Exact Sciences
Classification: Likely benign for PMS2-related condition. Last evaluated: 2024-09-10. Review status: no assertion criteria provided. Collection method: clinical testing. Allele origin: germline. Not counted in ClinVar's aggregate classification.
Comment: This variant is classified as likely benign based on ACMG/AMP sequence variant interpretation guidelines (Richards et al. 2015 PMID: 25741868, with internal and published modifications).

Genetic Services Laboratory, University of Chicago
Classification: Uncertain significance. Last evaluated: 2022-09-09. Review status: no assertion criteria provided. Collection method: clinical testing. Allele origin: germline. Affected: no. Not counted in ClinVar's aggregate classification.
Comment: DNA sequence analysis of the PMS2 gene demonstrated a sequence change, c.497T>C, in exon 5 that results in an amino acid change, p.Leu166Pro. This sequence change has been previously described in individuals with colorectal cancer, colon polyps/Lynch syndrome, endometrial cancer and prostate cancer (PMIDs: 25980754, 29356034, 28135145, 27443514). This sequence change has been described in the gnomAD database with a frequency of 0.3% in the African American subpopulation (dbSNP rs116349687). The p.Leu166Pro change affects a highly conserved amino acid residue located in a domain of the PMS2 protein that is known to be functional. The p.Leu166Pro substitution appears to be deleterious using several in-silico pathogenicity prediction tools (SIFT, PolyPhen2, REVEL). Due to insufficient evidences and the lack of functional studies, the clinical significance of the p.Leu166Pro change remains unknown at this time.

Literature cited by the submitters: PubMed 32832836 (cited by Quest Diagnostics Nichols Institute San Juan Capistrano); PubMed 35264596 (cited by Quest Diagnostics Nichols Institute San Juan Capistrano); PubMed 28135145 (cited by 4 submitters); PubMed 29356034 (cited by 5 submitters); PubMed 24113346 (cited by Quest Diagnostics Nichols Institute San Juan Capistrano and Ambry Genetics); PubMed 27443514 (cited by 5 submitters); PubMed 25980754 (cited by 3 submitters); PubMed 2813514 (cited by Department of Pathology and Laboratory Medicine, Sinai Health System).

NM_000535.7(PMS2):c.497T>C (p.Leu166Pro)

Gene: PMS2 (PMS1 homolog 2, mismatch repair system component; minus strand). Cytogenetic location: 7p22.1.
Variant type: single nucleotide variant.
Coding change: c.497T>C on transcript NM_000535.7 (MANE Select); coding-DNA position 497, T replaced by C.
Protein change: p.Leu166Pro; replaces leucine 166 with proline.
Molecular consequence: missense variant. On other transcripts: 5 prime UTR variant (2), non-coding transcript variant (1).
Genome position (GRCh38, 1-based): chr7:6,002,493, A>G on the plus strand (T>C on the coding strand, the complement: PMS2 is on the minus strand). VCF-style: chr7-6002493-A-G. GRCh37 (hg19) VCF-style: chr7-6042124-A-G.
Other names: p.L166P:CTA>CCA; c.92T>C, p.Leu31Pro (NM_001322003.2, NM_001322004.2, NM_001322005.2 and 3 more transcripts); c.497T>C, p.Leu166Pro (NM_001322006.2, NM_001322014.2); c.179T>C, p.Leu60Pro (NM_001322007.2, NM_001322008.2); c.-388T>C (NM_001322011.2, NM_001322012.2); c.188T>C, p.Leu63Pro (NM_001322015.2); short protein forms L166P, L31P, L63P, L60P.
Identifiers: ClinVar variation 135944 (VCV000135944.39), dbSNP rs116349687, ClinGen allele CA012179.